The following is an entry in ClinVar:

NM_001267550.2(TTN):c.94220-1G>A

Genes: TTN-AS1 (TTN antisense RNA 1; plus strand), TTN (titin; minus strand). Cytogenetic location: 2q31.2.
Variant type: single nucleotide variant.
Coding change: c.94220-1G>A on transcript NM_001267550.2 (MANE Select); the canonical splice acceptor site of the intron before coding-DNA position 94220, G replaced by A.
Molecular consequence: splice acceptor variant.
Genome position (GRCh38, 1-based): chr2:178,547,306, C>T on the plus strand (G>A on the coding strand, the complement: TTN is on the minus strand). VCF-style: chr2-178547306-C-T. GRCh37 (hg19) VCF-style: chr2-179412033-C-T.
Other names: c.67025-1G>A (NM_003319.4); c.67601-1G>A (NM_133437.4); c.67400-1G>A (NM_133432.3); c.86516-1G>A (NM_133378.4); c.89297-1G>A (NM_001256850.1).
Identifiers: ClinVar variation 535040 (VCV000535040.9), dbSNP rs1553525592, ClinGen allele CA349476428.
Genomic context (GRCh38, chr2:178,547,306, plus strand): 5'-TAGACATGGCATTGGCAGACACATGGTAGACCTCAGGTCTGGTAGGAGCGCTTGGTGGGA[C>T]TAAATATAAACAAAGGTATTAAGTATGAATACAATTTTATAAAATTCAGGGGAAACATTT-3'

ClinVar aggregate classification (germline): Likely pathogenic (1 of 4 stars; one submission).

Conditions:
Autosomal recessive limb-girdle muscular dystrophy type 2J (LGMDR10). Also called: Limb-girdle muscular dystrophy, type 2J; MUSCULAR DYSTROPHY, LIMB-GIRDLE, AUTOSOMAL RECESSIVE 10. Identifiers: Orphanet 140922, MedGen C1837342, MONDO:0012127, OMIM 608807.
Dilated cardiomyopathy 1G (CMD1G). Identifiers: Orphanet 154, MedGen C1858763, MONDO:0011400, OMIM 604145.

Submission:

Labcorp Genetics (formerly Invitae), Labcorp
Classification: Likely pathogenic for Dilated cardiomyopathy 1G; Autosomal recessive limb-girdle muscular dystrophy type 2J. Last evaluated: 2024-12-10. Review status: criteria provided, single submitter. Criteria: Invitae Variant Classification Sherloc (09022015). Collection method: clinical testing. Allele origin: germline.
Comment: This sequence change affects an acceptor splice site in intron 339 of the TTN gene. It is expected to disrupt RNA splicing and likely results in a truncated or disrupted TTN protein. This variant is not present in population databases (gnomAD no frequency). Disruption of this splice site has been observed in individual(s) with TTN-related conditions (internal data). ClinVar contains an entry for this variant (Variation ID: 535040). Algorithms developed to predict the effect of sequence changes on RNA splicing suggest that this variant may disrupt the consensus splice site. This variant is located in the A band of TTN (PMID: 25589632). Truncating variants in this region are significantly overrepresented in patients affected with dilated cardiomyopathy (PMID: 25589632). Truncating variants in this region have also been reported in individuals affected with autosomal recessive centronuclear myopathy (PMID: 23975875). In summary, the currently available evidence indicates that the variant is pathogenic, but additional data are needed to prove that conclusively. Therefore, this variant has been classified as Likely Pathogenic.

Literature cited by the submitters: PubMed 25589632; PubMed 23975875.